The following is an entry in ClinVar:

NM_007294.4(BRCA1):c.4593dup (p.Val1532fs)

Gene: BRCA1 (BRCA1 DNA repair associated; minus strand). Cytogenetic location: 17q21.31.
Variant type: Duplication.
Coding change: c.4593dup on transcript NM_007294.4 (MANE Select); coding-DNA position 4593, one base duplicated (T; older notation c.4593dupT).
Protein change: p.Val1532fs; shifts the reading frame from valine 1532.
Molecular consequence: frameshift variant. On other transcripts: non-coding transcript variant (1).
Genome position (GRCh38, 1-based): chr17:43,074,413, A duplicated on the plus strand (T on the coding strand, the reverse complement: BRCA1 is on the minus strand); the first of 2 consecutive A bases (chr17:43,074,413-43,074,414); duplicating either gives the same sequence. VCF-style (leftmost placement, unchanged base first): chr17-43074412-C-CA. GRCh37 (hg19) VCF-style: chr17-41226429-C-CA.
Other names: 4712insT-ter1533; c.4593dup, p.Val1532fs (NM_007294.3); c.1070dup, p.Val358Cysfs (NM_001408491.1, NM_001408481.1, NM_001408482.1 and 5 more transcripts); c.1067dup, p.Val357Cysfs (NM_001408492.1, NM_001408493.1); c.1043dup, p.Val349Cysfs (NM_001408494.1); c.1037dup, p.Val347Cysfs (NM_001408495.1); c.1019dup, p.Val341Cysfs (NM_001408496.1, NM_001408497.1, NM_001408498.1 and 3 more transcripts); c.1016dup, p.Val340Cysfs (NM_001408502.1, NM_001408503.1, NM_001408504.1); and 73 more; short protein forms V1485fs, V1532fs, V428fs, V1553fs.
Identifiers: ClinVar variation 266486 (VCV000266486.6), dbSNP rs886040239, ClinGen allele CA10589653.
Genomic context (GRCh38, chr17:43,074,412, plus strand): 5'-AAGATGTTTCCGTCAAATCGTGTGGCCCAGACTCTTCCAGCTGTTGCTCCTCCACATCAA[C>CA]AACCTTAATGAGCTCCTCTTGAGATGGGTAGTTTCTATTCTGAAGACTCCCAGAGCAACT-3'

ClinVar aggregate classification (germline): Pathogenic. Review status: reviewed by expert panel (3 of 4 stars). 2 submissions from 2 submitters: Pathogenic (1). 1 of the submissions does not count toward it. Last evaluated 2016-10-18.

Conditions:
Breast-ovarian cancer, familial, susceptibility to, 1 (BROVCA1). Also called: BRCA1 Hereditary Breast and Ovarian Cancer; OVARIAN CANCER, SUSCEPTIBILITY TO. Identifiers: Orphanet 145, MedGen C2676676, MONDO:0011450, OMIM 604370. Disease mechanism: loss of function.

Submissions (2):

Evidence-based Network for the Interpretation of Germline Mutant Alleles (ENIGMA)
Classification: Pathogenic for Breast-ovarian cancer, familial, susceptibility to, 1. Last evaluated: 2016-10-18. Review status: reviewed by expert panel. Criteria: ENIGMA BRCA1/2 Classification Criteria (2015). Collection method: curation. Allele origin: germline.
Comment: Variant allele predicted to encode a truncated non-functional protein.

Consortium of Investigators of Modifiers of BRCA1/2 (CIMBA), c/o University of Cambridge
Classification: Pathogenic for Breast-ovarian cancer, familial, susceptibility to, 1. Last evaluated: 2015-10-02. Review status: criteria provided, single submitter. Criteria: CIMBA Mutation Classification guidelines May 2016. Collection method: clinical testing. Allele origin: germline. Not counted in ClinVar's aggregate classification.